The following is an entry in ClinVar:

NM_004698.4(PRPF3):c.544C>T (p.Pro182Ser)

Gene: PRPF3 (pre-mRNA processing factor 3; plus strand). Cytogenetic location: 1q21.2.
Variant type: single nucleotide variant.
Coding change: c.544C>T on transcript NM_004698.4 (MANE Select); coding-DNA position 544, C replaced by T.
Protein change: p.Pro182Ser; replaces proline 182 with serine.
Molecular consequence: missense variant. On other transcripts: non-coding transcript variant (4).
Genome position (GRCh38, 1-based): chr1:150,333,015, C>T. VCF-style: chr1-150333015-C-T. GRCh37 (hg19) VCF-style: chr1-150305486-C-T.
Other names: c.139C>T, p.Pro47Ser (NM_001350529.1); short protein forms P182S, P47S.
Identifiers: ClinVar variation 1997716 (VCV001997716.4), dbSNP rs2525118902, ClinGen allele CA342291695.

ClinVar aggregate classification (germline): Uncertain significance (1 of 4 stars; one submission).

Submission:

Labcorp Genetics (formerly Invitae), Labcorp
Classification: Uncertain significance. Last evaluated: 2025-03-03. Review status: criteria provided, single submitter. Criteria: Invitae Variant Classification Sherloc (09022015). Collection method: clinical testing. Allele origin: germline.
Comment: This sequence change replaces proline, which is neutral and non-polar, with serine, which is neutral and polar, at codon 182 of the PRPF3 protein (p.Pro182Ser). This variant is not present in population databases (gnomAD no frequency). This variant has not been reported in the literature in individuals affected with PRPF3-related conditions. ClinVar contains an entry for this variant (Variation ID: 1997716). Invitae Evidence Modeling of protein sequence and biophysical properties (such as structural, functional, and spatial information, amino acid conservation, physicochemical variation, residue mobility, and thermodynamic stability) indicates that this missense variant is not expected to disrupt PRPF3 protein function with a negative predictive value of 95%. In summary, the available evidence is currently insufficient to determine the role of this variant in disease. Therefore, it has been classified as a Variant of Uncertain Significance.